The following is an entry in ClinVar:

NM_024589.3(ROGDI):c.765C>G (p.Asn255Lys)

Gene: ROGDI (rogdi atypical leucine zipper; minus strand). Cytogenetic location: 16p13.3.
Variant type: single nucleotide variant.
Coding change: c.765C>G on transcript NM_024589.3 (MANE Select); coding-DNA position 765, C replaced by G.
Protein change: p.Asn255Lys; replaces asparagine 255 with lysine.
Molecular consequence: missense variant. On other transcripts: non-coding transcript variant (1).
Genome position (GRCh38, 1-based): chr16:4,797,771, G>C on the plus strand (C>G on the coding strand, the complement: ROGDI is on the minus strand). VCF-style: chr16-4797771-G-C. GRCh37 (hg19) VCF-style: chr16-4847772-G-C.
Other names: c.765C>G (NM_024589.1); short protein forms N255K.
Identifiers: ClinVar variation 1448675 (VCV001448675.6), dbSNP rs144724709, ClinGen allele CA394648674.

ClinVar aggregate classification (germline): Uncertain significance. Review status: criteria provided, multiple submitters, no conflicts (2 of 4 stars). 2 submissions from 2 submitters: Uncertain significance (2). Last evaluated 2025-01-27.

Conditions:
Inborn genetic diseases. Identifiers: MedGen C0950123, MeSH D030342.
Amelocerebrohypohidrotic syndrome (KTZS). Also called: Kohlschutter's syndrome; EPILEPSY AND YELLOW TEETH; EPILEPSY, DEMENTIA, AND AMELOGENESIS IMPERFECTA; KOHLSCHUTTER SYNDROME. Identifiers: Orphanet 1946, MedGen C0406740, MONDO:0009185, OMIM 226750.

Submissions (2):

Ambry Genetics
Classification: Uncertain significance for Inborn genetic diseases. Last evaluated: 2025-01-27. Review status: criteria provided, single submitter. Criteria: Ambry Variant Classification Scheme 2023. Collection method: clinical testing. Allele origin: germline.

Labcorp Genetics (formerly Invitae), Labcorp
Classification: Uncertain significance for Amelocerebrohypohidrotic syndrome. Last evaluated: 2022-10-14. Review status: criteria provided, single submitter. Criteria: Invitae Variant Classification Sherloc (09022015). Collection method: clinical testing. Allele origin: germline.
Comment: In summary, the available evidence is currently insufficient to determine the role of this variant in disease. Therefore, it has been classified as a Variant of Uncertain Significance. Algorithms developed to predict the effect of missense changes on protein structure and function (SIFT, PolyPhen-2, Align-GVGD) all suggest that this variant is likely to be disruptive. ClinVar contains an entry for this variant (Variation ID: 1448675). This variant has not been reported in the literature in individuals affected with ROGDI-related conditions. This variant is present in population databases (no rsID available, gnomAD 0.007%). This sequence change replaces asparagine, which is neutral and polar, with lysine, which is basic and polar, at codon 255 of the ROGDI protein (p.Asn255Lys).